The following is an entry in ClinVar:

ClinVar aggregate classification (germline): Uncertain significance (1 of 4 stars; one submission).

Conditions:
Autosomal recessive limb-girdle muscular dystrophy type 2J (LGMDR10). Also called: Limb-girdle muscular dystrophy, type 2J; MUSCULAR DYSTROPHY, LIMB-GIRDLE, AUTOSOMAL RECESSIVE 10. Identifiers: Orphanet 140922, MedGen C1837342, MONDO:0012127, OMIM 608807.
Dilated cardiomyopathy 1G (CMD1G). Identifiers: Orphanet 154, MedGen C1858763, MONDO:0011400, OMIM 604145.

Allele frequency attached by ClinVar (database versions not stated): gnomAD exomes below 0.00001; gnomAD 0.00001; TOPMed 0.00001.
gnomAD v4.1: 3 of 1,613,896 alleles (0.00019%); highest among the groups gnomAD compares: African/African-American, 0.0027%; no homozygotes.

Submission:

Labcorp Genetics (formerly Invitae), Labcorp
Classification: Uncertain significance for Dilated cardiomyopathy 1G; Autosomal recessive limb-girdle muscular dystrophy type 2J. Last evaluated: 2025-03-23. Review status: criteria provided, single submitter. Criteria: Invitae Variant Classification Sherloc (09022015). Collection method: clinical testing. Allele origin: germline.
Comment: This sequence change replaces histidine, which is basic and polar, with arginine, which is basic and polar, at codon 34732 of the TTN protein (p.His34732Arg). This variant is not present in population databases (gnomAD no frequency). This variant has not been reported in the literature in individuals affected with TTN-related conditions. ClinVar contains an entry for this variant (Variation ID: 535016). Experimental studies and prediction algorithms are not available or were not evaluated, and the functional significance of this variant is currently unknown. This variant is located in the M band of TTN (PMID: 25589632). Non-truncating variants in this region may be relevant for neuromuscular disorders, but have not been definitively shown to cause cardiomyopathy (PMID: 23975875). In summary, the available evidence is currently insufficient to determine the role of this variant in disease. Therefore, it has been classified as a Variant of Uncertain Significance.

Literature cited by the submitters: PubMed 25589632; PubMed 23975875.

NM_001267550.2(TTN):c.104195A>G (p.His34732Arg)

Genes: TTN-AS1 (TTN antisense RNA 1; plus strand), TTN (titin; minus strand). Cytogenetic location: 2q31.2.
Variant type: single nucleotide variant.
Coding change: c.104195A>G on transcript NM_001267550.2 (MANE Select); coding-DNA position 104195, A replaced by G.
Protein change: p.His34732Arg; replaces histidine 34732 with arginine.
Molecular consequence: missense variant.
Genome position (GRCh38, 1-based): chr2:178,532,420, T>C on the plus strand (A>G on the coding strand, the complement: TTN is on the minus strand). VCF-style: chr2-178532420-T-C. GRCh37 (hg19) VCF-style: chr2-179397147-T-C.
Other names: c.99272A>G, p.His33091Arg (NM_001256850.1); c.77000A>G, p.His25667Arg (NM_003319.4); c.96491A>G, p.His32164Arg (NM_133378.4); c.77375A>G, p.His25792Arg (NM_133432.3); c.77576A>G, p.His25859Arg (NM_133437.4); short protein forms H34732R, H25667R, H25792R, H32164R, H33091R, H25859R.
Identifiers: ClinVar variation 535016 (VCV000535016.7), dbSNP rs1250361204, ClinGen allele CA349412268.